The following is an entry in ClinVar:

ClinVar aggregate classification (germline): Uncertain significance. Review status: criteria provided, multiple submitters, no conflicts (2 of 4 stars). 3 submissions from 3 submitters: Uncertain significance (3). Last evaluated 2025-12-29.

Conditions:
Familial melanoma. Also called: Hereditary melanoma; Hereditary cutaneous melanoma. Identifiers: Orphanet 618, MedGen C1512419, MONDO:0018961.
Hereditary cancer-predisposing syndrome. Also called: Tumor predisposition; Hereditary neoplastic syndrome; Neoplastic Syndromes, Hereditary; Hereditary Cancer Syndrome. Identifiers: Orphanet 140162, MedGen C0027672, MeSH D009386, MONDO:0015356.

Submissions (3):

Center for Genomic Medicine, Rigshospitalet, Copenhagen University Hospital
Classification: Uncertain significance. Last evaluated: 2025-12-29. Review status: criteria provided, single submitter. Criteria: ACMG Guidelines, 2015. Collection method: clinical testing. Allele origin: germline.

Labcorp Genetics (formerly Invitae), Labcorp
Classification: Uncertain significance for Familial melanoma. Last evaluated: 2023-10-18. Review status: criteria provided, single submitter. Criteria: Invitae Variant Classification Sherloc (09022015). Collection method: clinical testing. Allele origin: germline.
Comment: This sequence change replaces glycine, which is neutral and non-polar, with glutamic acid, which is acidic and polar, at codon 253 of the CDK4 protein (p.Gly253Glu). This variant is not present in population databases (gnomAD no frequency). This variant has not been reported in the literature in individuals affected with CDK4-related conditions. ClinVar contains an entry for this variant (Variation ID: 950768). Advanced modeling of protein sequence and biophysical properties (such as structural, functional, and spatial information, amino acid conservation, physicochemical variation, residue mobility, and thermodynamic stability) performed at Invitae indicates that this missense variant is not expected to disrupt CDK4 protein function. In summary, the available evidence is currently insufficient to determine the role of this variant in disease. Therefore, it has been classified as a Variant of Uncertain Significance.

Ambry Genetics
Classification: Uncertain significance for Hereditary cancer-predisposing syndrome. Last evaluated: 2023-10-16. Review status: criteria provided, single submitter. Criteria: Ambry Variant Classification Scheme 2023. Collection method: clinical testing. Allele origin: germline.
Comment: The p.G253E variant (also known as c.758G>A), located in coding exon 6 of the CDK4 gene, results from a G to A substitution at nucleotide position 758. The glycine at codon 253 is replaced by glutamic acid, an amino acid with similar properties. This amino acid position is conserved. In addition, this alteration is predicted to be tolerated by in silico analysis. Since supporting evidence is limited at this time, the clinical significance of this alteration remains unclear.

NM_000075.4(CDK4):c.758G>A (p.Gly253Glu)

Genes: CDK4 (cyclin dependent kinase 4; minus strand), TSPAN31 (tetraspanin 31; plus strand). Cytogenetic location: 12q14.1.
Variant type: single nucleotide variant.
Coding change: c.758G>A on transcript NM_000075.4 (MANE Select); coding-DNA position 758, G replaced by A.
Protein change: p.Gly253Glu; replaces glycine 253 with glutamic acid.
Molecular consequence: missense variant. On other transcripts: 3 prime UTR variant (3).
Genome position (GRCh38, 1-based): chr12:57,749,243, C>T on the plus strand (G>A on the coding strand, the complement: CDK4 is on the minus strand). VCF-style: chr12-57749243-C-T. GRCh37 (hg19) VCF-style: chr12-58143026-C-T.
Other names: c.*1953C>T (NM_001330168.2, NM_001330169.2, NM_005981.5); short protein forms G253E.
Identifiers: ClinVar variation 950768 (VCV000950768.9), dbSNP rs1955201268, ClinGen allele CA385543305.